The following is an entry in ClinVar:

NM_153240.5(NPHP3):c.3726T>A (p.Tyr1242Ter)

Genes: NPHP3 (nephrocystin 3; minus strand), NPHP3-ACAD11 (NPHP3-ACAD11 readthrough (NMD candidate); minus strand). Cytogenetic location: 3q22.1.
Variant type: single nucleotide variant.
Coding change: c.3726T>A on transcript NM_153240.5 (MANE Select); coding-DNA position 3726, T replaced by A.
Protein change: p.Tyr1242Ter; replaces tyrosine 1242 with a stop codon.
Molecular consequence: nonsense. On other transcripts: non-coding transcript variant (1).
Genome position (GRCh38, 1-based): chr3:132,682,789, A>T on the plus strand (T>A on the coding strand, the complement: NPHP3 is on the minus strand). VCF-style: chr3-132682789-A-T. GRCh37 (hg19) VCF-style: chr3-132401633-A-T.
Other names: short protein forms Y1242*.
Identifiers: ClinVar variation 3019092 (VCV003019092.3), dbSNP rs2530375232, ClinGen allele CA354578354.

ClinVar aggregate classification (germline): Pathogenic (1 of 4 stars; one submission).

Conditions:
Nephronophthisis. Also called: Juvenile Nephronophthisis. Identifiers: Orphanet 655, MedGen C0687120, MONDO:0019005, HP:0000090.

Submission:

Labcorp Genetics (formerly Invitae), Labcorp
Classification: Pathogenic for Nephronophthisis. Last evaluated: 2023-07-23. Review status: criteria provided, single submitter. Criteria: Invitae Variant Classification Sherloc (09022015). Collection method: clinical testing. Allele origin: germline.
Comment: For these reasons, this variant has been classified as Pathogenic. This variant has not been reported in the literature in individuals affected with NPHP3-related conditions. This variant is not present in population databases (gnomAD no frequency). This sequence change creates a premature translational stop signal (p.Tyr1242*) in the NPHP3 gene. It is expected to result in an absent or disrupted protein product. Loss-of-function variants in NPHP3 are known to be pathogenic (PMID: 18371931, 23559409).

Literature cited by the submitters: PubMed 18371931; PubMed 23559409.